The following is an entry in ClinVar:

NM_001365951.3(KIF1B):c.692A>G (p.Asp231Gly)

Gene: KIF1B (kinesin family member 1B; plus strand). Cytogenetic location: 1p36.22.
Variant type: single nucleotide variant.
Coding change: c.692A>G on transcript NM_001365951.3 (MANE Select); coding-DNA position 692, A replaced by G.
Protein change: p.Asp231Gly; replaces aspartic acid 231 with glycine.
Molecular consequence: missense variant.
Genome position (GRCh38, 1-based): chr1:10,268,235, A>G. VCF-style: chr1-10268235-A-G. GRCh37 (hg19) VCF-style: chr1-10328293-A-G.
Other names: c.692A>G, p.Asp231Gly (NM_001365952.1, NM_001365953.1, NM_015074.3 and 1 more transcripts); short protein forms D231G.
Identifiers: ClinVar variation 1756192 (VCV001756192.6), dbSNP rs1648579580, ClinGen allele CA338330587.

ClinVar aggregate classification (germline): Uncertain significance. Review status: criteria provided, multiple submitters, no conflicts (2 of 4 stars). 2 submissions from 2 submitters: Uncertain significance (2). Last evaluated 2024-10-31.

Conditions:
Charcot-Marie-Tooth disease type 2. Also called: Charcot-Marie-Tooth type 2. Identifiers: Orphanet 64746, MedGen C0270914, MONDO:0018993.

Allele frequency attached by ClinVar (database versions not stated): gnomAD 0.00001; gnomAD exomes below 0.00001.
gnomAD v4.1: 3 of 1,612,450 alleles (0.00019%); highest among the groups gnomAD compares: South Asian, 0.0022%; no homozygotes.

Submissions (2):

Ambry Genetics
Classification: Uncertain significance. Last evaluated: 2024-10-31. Review status: criteria provided, single submitter. Criteria: Ambry Variant Classification Scheme 2023. Collection method: clinical testing. Allele origin: germline.
Comment: The p.D231G variant (also known as c.692A>G), located in coding exon 6 of the KIF1B gene, results from an A to G substitution at nucleotide position 692. The aspartic acid at codon 231 is replaced by glycine, an amino acid with similar properties. This amino acid position is highly conserved in available vertebrate species. In addition, this alteration is predicted to be deleterious by in silico analysis. Since supporting evidence is limited at this time, the clinical significance of this alteration remains unclear.

Labcorp Genetics (formerly Invitae), Labcorp
Classification: Uncertain significance for Charcot-Marie-Tooth disease type 2. Last evaluated: 2023-01-16. Review status: criteria provided, single submitter. Criteria: Invitae Variant Classification Sherloc (09022015). Collection method: clinical testing. Allele origin: germline.
Comment: This variant is not present in population databases (gnomAD no frequency). This sequence change replaces aspartic acid, which is acidic and polar, with glycine, which is neutral and non-polar, at codon 231 of the KIF1B protein (p.Asp231Gly). This missense change has been observed in individual(s) with KIF1B-related conditions (PMID: 31372974). In summary, the available evidence is currently insufficient to determine the role of this variant in disease. Therefore, it has been classified as a Variant of Uncertain Significance. Algorithms developed to predict the effect of sequence changes on RNA splicing suggest that this variant may create or strengthen a splice site. Advanced modeling of protein sequence and biophysical properties (such as structural, functional, and spatial information, amino acid conservation, physicochemical variation, residue mobility, and thermodynamic stability) performed at Invitae indicates that this missense variant is not expected to disrupt KIF1B protein function. ClinVar contains an entry for this variant (Variation ID: 1756192).

Literature cited by the submitters: PubMed 31372974 (cited by Labcorp Genetics (formerly Invitae), Labcorp).